The following is an entry in ClinVar:

ClinVar aggregate classification (germline): Uncertain significance. Review status: criteria provided, multiple submitters, no conflicts (2 of 4 stars). 2 submissions from 2 submitters: Uncertain significance (2). Last evaluated 2025-09-26.

Conditions:
Inborn genetic diseases. Identifiers: MedGen C0950123, MeSH D030342.

Allele frequency attached by ClinVar (database versions not stated): TOPMed 0.00001.

Submissions (2):

Ambry Genetics
Classification: Uncertain significance for Inborn genetic diseases. Last evaluated: 2025-09-26. Review status: criteria provided, single submitter. Criteria: Ambry Variant Classification Scheme 2023. Collection method: clinical testing. Allele origin: germline.

Labcorp Genetics (formerly Invitae), Labcorp
Classification: Uncertain significance. Last evaluated: 2023-12-11. Review status: criteria provided, single submitter. Criteria: Invitae Variant Classification Sherloc (09022015). Collection method: clinical testing. Allele origin: germline.
Comment: This sequence change replaces isoleucine, which is neutral and non-polar, with threonine, which is neutral and polar, at codon 889 of the ITPR1 protein (p.Ile889Thr). This variant is not present in population databases (gnomAD no frequency). This variant has not been reported in the literature in individuals affected with ITPR1-related conditions. Advanced modeling of protein sequence and biophysical properties (such as structural, functional, and spatial information, amino acid conservation, physicochemical variation, residue mobility, and thermodynamic stability) performed at Invitae indicates that this missense variant is not expected to disrupt ITPR1 protein function with a negative predictive value of 95%. In summary, the available evidence is currently insufficient to determine the role of this variant in disease. Therefore, it has been classified as a Variant of Uncertain Significance.

NM_001378452.1(ITPR1):c.2711T>C (p.Ile904Thr)

Gene: ITPR1 (inositol 1,4,5-trisphosphate receptor type 1; plus strand). Cytogenetic location: 3p26.1.
Variant type: single nucleotide variant.
Coding change: c.2711T>C on transcript NM_001378452.1 (MANE Select); coding-DNA position 2711, T replaced by C.
Protein change: p.Ile904Thr; replaces isoleucine 904 with threonine.
Molecular consequence: missense variant.
Genome position (GRCh38, 1-based): chr3:4,675,180, T>C. VCF-style: chr3-4675180-T-C. GRCh37 (hg19) VCF-style: chr3-4716864-T-C.
Other names: c.2711T>C, p.Ile904Thr (NM_001099952.4); c.2666T>C, p.Ile889Thr (NM_001168272.2, NM_002222.7); c.2666T>C (NM_002222.5); short protein forms I889T, I904T.
Identifiers: ClinVar variation 2853815 (VCV002853815.4), dbSNP rs1274678801, ClinGen allele CA351648601.